The following is an entry in ClinVar:

ClinVar aggregate classification (germline): Uncertain significance. Review status: criteria provided, multiple submitters, no conflicts (2 of 4 stars). 2 submissions from 2 submitters: Uncertain significance (2). Last evaluated 2024-04-22.

Conditions:
Hereditary cancer-predisposing syndrome. Also called: Tumor predisposition; Neoplastic Syndromes, Hereditary; Hereditary neoplastic syndrome; Hereditary Cancer Syndrome. Identifiers: Orphanet 140162, MedGen C0027672, MeSH D009386, MONDO:0015356.

gnomAD v4.1: 1 of 1,579,574 alleles (0.000063%); highest among the groups gnomAD compares: South Asian, 0.0012%; no homozygotes.

Submissions (2):

Ambry Genetics
Classification: Uncertain significance for Hereditary cancer-predisposing syndrome. Last evaluated: 2024-04-22. Review status: criteria provided, single submitter. Criteria: Ambry Variant Classification Scheme 2023. Collection method: clinical testing. Allele origin: germline.
Comment: The p.L979V variant (also known as c.2935C>G), located in coding exon 4 of the MSH6 gene, results from a C to G substitution at nucleotide position 2935. The leucine at codon 979 is replaced by valine, an amino acid with highly similar properties. This amino acid position is conserved. In addition, the in silico prediction for this alteration is inconclusive. Based on the available evidence, the clinical significance of this variant remains unclear.

Color Diagnostics, LLC DBA Color Health
Classification: Uncertain significance for Hereditary cancer-predisposing syndrome. Last evaluated: 2018-11-25. Review status: criteria provided, single submitter. Criteria: ACMG Guidelines, 2015. Collection method: clinical testing. Allele origin: germline.

NM_000179.3(MSH6):c.2935C>G (p.Leu979Val)

Gene: MSH6 (mutS homolog 6; plus strand). Cytogenetic location: 2p16.3.
Variant type: single nucleotide variant.
Coding change: c.2935C>G on transcript NM_000179.3 (MANE Select); coding-DNA position 2935, C replaced by G.
Protein change: p.Leu979Val; replaces leucine 979 with valine.
Molecular consequence: missense variant.
Genome position (GRCh38, 1-based): chr2:47,800,918, C>G. VCF-style: chr2-47800918-C-G. GRCh37 (hg19) VCF-style: chr2-48028057-C-G.
Other names: c.2545C>G, p.Leu849Val (NM_001281492.2); c.2029C>G, p.Leu677Val (NM_001281493.2, NM_001281494.2); short protein forms L979V, L849V, L677V.
Identifiers: ClinVar variation 630731 (VCV000630731.4), dbSNP rs1356451622, ClinGen allele CA346756210.